The following is an entry in ClinVar:

NM_005458.8(GABBR2):c.2510T>A (p.Ile837Asn)

Gene: GABBR2 (gamma-aminobutyric acid type B receptor subunit 2; minus strand). Cytogenetic location: 9q22.33.
Variant type: single nucleotide variant.
Coding change: c.2510T>A on transcript NM_005458.8 (MANE Select); coding-DNA position 2510, T replaced by A.
Protein change: p.Ile837Asn; replaces isoleucine 837 with asparagine.
Molecular consequence: missense variant.
Genome position (GRCh38, 1-based): chr9:98,299,256, A>T on the plus strand (T>A on the coding strand, the complement: GABBR2 is on the minus strand). VCF-style: chr9-98299256-A-T. GRCh37 (hg19) VCF-style: chr9-101061538-A-T.
Other names: short protein forms I837N.
Identifiers: ClinVar variation 1383490 (VCV001383490.8), dbSNP rs2131344029, ClinGen allele CA374193433.

ClinVar aggregate classification (germline): Uncertain significance (1 of 4 stars; one submission).

Conditions:
Epileptic encephalopathy. Identifiers: MedGen C0543888, HP:0200134.

Submission:

Labcorp Genetics (formerly Invitae), Labcorp
Classification: Uncertain significance for Epileptic encephalopathy. Last evaluated: 2021-07-26. Review status: criteria provided, single submitter. Criteria: Invitae Variant Classification Sherloc (09022015). Collection method: clinical testing. Allele origin: germline.
Comment: In summary, the available evidence is currently insufficient to determine the role of this variant in disease. Therefore, it has been classified as a Variant of Uncertain Significance. Algorithms developed to predict the effect of missense changes on protein structure and function are either unavailable or do not agree on the potential impact of this missense change (SIFT: "Deleterious"; PolyPhen-2: "Benign"; Align-GVGD: "Class C65"). This variant has been observed in individual(s) with clinical features of GABBR2-related conditions (Invitae). This variant is not present in population databases (ExAC no frequency). This sequence change replaces isoleucine with asparagine at codon 837 of the GABBR2 protein (p.Ile837Asn). The isoleucine residue is highly conserved and there is a large physicochemical difference between isoleucine and asparagine.